The following is an entry in ClinVar:

NM_002440.4(MSH4):c.1529A>G (p.Asp510Gly)

Gene: MSH4 (mutS homolog 4; plus strand). Cytogenetic location: 1p31.1.
Variant type: single nucleotide variant.
Coding change: c.1529A>G on transcript NM_002440.4 (MANE Select); coding-DNA position 1529, A replaced by G.
Protein change: p.Asp510Gly; replaces aspartic acid 510 with glycine.
Molecular consequence: missense variant.
Genome position (GRCh38, 1-based): chr1:75,878,307, A>G. VCF-style: chr1-75878307-A-G. GRCh37 (hg19) VCF-style: chr1-76343992-A-G.
Other names: short protein forms D510G.
Identifiers: ClinVar variation 3211307 (VCV003211307.3), dbSNP rs766489963, ClinGen allele CA914266.

ClinVar aggregate classification (germline): Uncertain significance. Review status: criteria provided, multiple submitters, no conflicts (2 of 4 stars). 2 submissions from 2 submitters: Uncertain significance (2). Last evaluated 2024-01-31.

Conditions:
Inborn genetic diseases. Identifiers: MedGen C0950123, MeSH D030342.
Spermatogenic failure 2. Also called: ASPERMIOGENESIS FACTOR; SPGF2. Identifiers: MedGen C1862459, MONDO:0007161, OMIM 108420.
Premature ovarian failure 20 (POF20). Identifiers: MedGen C5677011, MONDO:0030975, OMIM 619938.

Allele frequency attached by ClinVar (database versions not stated): gnomAD exomes 0.00001; TOPMed 0.00001; ExAC 0.00002.
gnomAD v4.1: 9 of 1,588,118 alleles (0.00057%); highest among the groups gnomAD compares: East Asian, 0.018%; no homozygotes.

Submissions (2):

Ambry Genetics
Classification: Uncertain significance for Inborn genetic diseases. Last evaluated: 2024-01-31. Review status: criteria provided, single submitter. Criteria: Ambry Variant Classification Scheme 2023. Collection method: clinical testing. Allele origin: germline.

Juno Genomics, Hangzhou Juno Genomics, Inc
Classification: Uncertain significance for Premature ovarian failure 20; Spermatogenic failure 2. Review status: criteria provided, single submitter. Criteria: ACMG Guidelines, 2015. Collection method: clinical testing. Allele origin: germline.
Comment: Absent from controls (or at extremely low frequency if recessive) in Genome Aggregation Database.;Multiple lines of computational evidence support a deleterious effect on the gene or gene product.